The following is an entry in ClinVar:

NM_019032.6(ADAMTSL4):c.1885C>T (p.Leu629Phe)

Genes: ADAMTSL4 (ADAMTS like 4; plus strand), ADAMTSL4-AS2 (ADAMTSL4 antisense RNA 2; minus strand). Cytogenetic location: 1q21.2.
Variant type: single nucleotide variant.
Coding change: c.1885C>T on transcript NM_019032.6 (MANE Select); coding-DNA position 1885, C replaced by T.
Protein change: p.Leu629Phe; replaces leucine 629 with phenylalanine.
Molecular consequence: missense variant. On other transcripts: intron variant (1).
Genome position (GRCh38, 1-based): chr1:150,557,173, C>T. VCF-style: chr1-150557173-C-T. GRCh37 (hg19) VCF-style: chr1-150529649-C-T.
Other names: c.1954C>T, p.Leu652Phe (NM_001288608.2); c.1885C>T, p.Leu629Phe (NM_001378596.1, NM_025008.5); c.1857-89C>T (NM_001288607.2); short protein forms L652F, L629F.
Identifiers: ClinVar variation 2127336 (VCV002127336.4), dbSNP rs1037737520, ClinGen allele CA30071303.

ClinVar aggregate classification (germline): Uncertain significance (1 of 4 stars; one submission).

Submission:

Labcorp Genetics (formerly Invitae), Labcorp
Classification: Uncertain significance. Last evaluated: 2022-04-17. Review status: criteria provided, single submitter. Criteria: Invitae Variant Classification Sherloc (09022015). Collection method: clinical testing. Allele origin: germline.
Comment: In summary, the available evidence is currently insufficient to determine the role of this variant in disease. Therefore, it has been classified as a Variant of Uncertain Significance. Algorithms developed to predict the effect of missense changes on protein structure and function (SIFT, PolyPhen-2, Align-GVGD) all suggest that this variant is likely to be tolerated. This variant has not been reported in the literature in individuals affected with ADAMTSL4-related conditions. This variant is not present in population databases (gnomAD no frequency). This sequence change replaces leucine, which is neutral and non-polar, with phenylalanine, which is neutral and non-polar, at codon 629 of the ADAMTSL4 protein (p.Leu629Phe).